The following is an entry in ClinVar:

ClinVar aggregate classification (germline): Conflicting classifications of pathogenicity. Review status: criteria provided, conflicting classifications (1 of 4 stars). 2 submissions from 2 submitters: Uncertain significance (1); Benign (1). Last evaluated 2025-08-03.

Conditions:
Tuberous sclerosis 2 (TSC2). Identifiers: Orphanet 805, MedGen C1860707, MONDO:0013199, OMIM 613254.
Hereditary cancer-predisposing syndrome. Also called: Neoplastic Syndromes, Hereditary; Tumor predisposition; Hereditary Cancer Syndrome; Hereditary neoplastic syndrome. Identifiers: Orphanet 140162, MedGen C0027672, MeSH D009386, MONDO:0015356.

Allele frequency attached by ClinVar (database versions not stated): ExAC 0.00001.

Submissions (2):

Ambry Genetics
Classification: Uncertain significance for Hereditary cancer-predisposing syndrome. Last evaluated: 2025-08-03. Review status: criteria provided, single submitter. Criteria: Ambry Variant Classification Scheme 2023. Collection method: clinical testing. Allele origin: germline.
Comment: The p.M1029L variant (also known as c.3085A>C), located in coding exon 26 of the TSC2 gene, results from an A to C substitution at nucleotide position 3085. The methionine at codon 1029 is replaced by leucine, an amino acid with highly similar properties. This amino acid position is highly conserved in available vertebrate species. In addition, this alteration is predicted to be deleterious by in silico analysis. Since supporting evidence is limited at this time, the clinical significance of this alteration remains unclear.

Labcorp Genetics (formerly Invitae), Labcorp
Classification: Benign for Tuberous sclerosis 2. Last evaluated: 2024-03-27. Review status: criteria provided, single submitter. Criteria: Invitae Variant Classification Sherloc (09022015). Collection method: clinical testing. Allele origin: germline.

NM_000548.5(TSC2):c.3085A>C (p.Met1029Leu)

Gene: TSC2 (TSC complex subunit 2; plus strand). Cytogenetic location: 16p13.3.
Variant type: single nucleotide variant.
Coding change: c.3085A>C on transcript NM_000548.5 (MANE Select); coding-DNA position 3085, A replaced by C.
Protein change: p.Met1029Leu; replaces methionine 1029 with leucine.
Molecular consequence: missense variant.
Genome position (GRCh38, 1-based): chr16:2,079,150, A>C. VCF-style: chr16-2079150-A-C. GRCh37 (hg19) VCF-style: chr16-2129151-A-C.
Other names: c.2953A>C, p.Met985Leu (NM_001077183.3, NM_001370404.1, NM_001406665.1); c.3085A>C, p.Met1029Leu (NM_001114382.3); c.2845A>C, p.Met949Leu (NM_001318827.2); c.2809A>C, p.Met937Leu (NM_001318829.2); c.2353A>C, p.Met785Leu (NM_001318831.2, NM_001406687.1, NM_001406688.1); c.2986A>C, p.Met996Leu (NM_001318832.2); c.2956A>C, p.Met986Leu (NM_001363528.2, NM_001370405.1, NM_021055.3); c.3082A>C, p.Met1028Leu (NM_001406663.1, NM_001406664.1); and 18 more; short protein forms M1028L, M581L, M451L, M832L, M936L, M948L, M966L, M985L.
Identifiers: ClinVar variation 1727396 (VCV001727396.5), dbSNP rs780572757, ClinGen allele CA044140.